The following is an entry in ClinVar:

ClinVar aggregate classification (germline): Likely benign (1 of 4 stars; one submission).

Submission:

CeGaT Center for Human Genetics Tuebingen
Classification: Likely benign. Last evaluated: 2025-11-01. Review status: criteria provided, single submitter. Criteria: CeGaT Center For Human Genetics Tuebingen Variant Classification Criteria Version 2. Collection method: clinical testing. Allele origin: germline. Affected: yes. Observed: 2 variant alleles.
Comment: LILRA2: BP4, BP7

NM_001130917.3(LILRA2):c.381T>C (p.Ala127=)

Gene: LILRA2 (leukocyte immunoglobulin like receptor A2; plus strand). Cytogenetic location: 19q13.42.
Variant type: single nucleotide variant.
Coding change: c.381T>C on transcript NM_001130917.3 (MANE Select); coding-DNA position 381, T replaced by C.
Protein change: p.Ala127=; no amino-acid change (alanine 127 retained).
Molecular consequence: synonymous variant.
Genome position (GRCh38, 1-based): chr19:54,574,759, T>C. VCF-style: chr19-54574759-T-C. GRCh37 (hg19) VCF-style: chr19-55086226-T-C.
Other names: c.345T>C, p.Ala115= (NM_001290270.1); c.381T>C, p.Ala127= (NM_001290271.2, NM_006866.4).
Identifiers: ClinVar variation 4280786 (VCV004280786.7).